The following continues an entry in ClinVar:

NM_000218.3(KCNQ1):c.940G>A (p.Gly314Ser)

Gene: KCNQ1. ClinVar aggregate classification (germline): Pathogenic. Pathogenic (11).

Submissions 9 to 13 of 13:

Victorian Clinical Genetics Services, Murdoch Childrens Research Institute
Classification: Pathogenic for Long QT syndrome 1. Last evaluated: 2022-02-02. Review status: criteria provided, single submitter. Criteria: ACMG Guidelines, 2015. Collection method: clinical testing. Allele origin: germline. Inheritance: Autosomal dominant inheritance. Affected: yes.
Comment: Based on the classification scheme VCGS_Germline_v1.3.4, this variant is classified as Pathogenic. Following criteria are met: 0103 - Dominant negative, loss of function and gain of function are known mechanisms of disease in this gene. Gain of function variants result exclusively in Short QT syndrome (MIM#609621), while dominant negative and loss of function variants can cause Long QT syndrome (LQTS, MIM#192500), atrial fibrillation (MIM#607554) and Jervell and Lange-Nielsen syndrome (JLNS, MIM#220400) (OMIM, PMIDs: 19632626, 28438721). (I) 0108 - This gene is known to be associated with both recessive and dominant disease. JLNS is characterized by congenital, bilateral deafness and variable degrees of QT prolongation, and is the only condition caused by biallelic variants (PMID: 28438721). (I) 0112 - The condition associated with this gene has incomplete penetrance (GeneReviews, OMIM). (I) 0200 - Variant is predicted to result in a missense amino acid change from glycine to serine. (I) 0251 - This variant is heterozygous. (I) 0301 - Variant is absent from gnomAD (both v2 and v3). (SP) 0501 - Missense variant consistently predicted to be damaging by multiple in silico tools or highly conserved with a major amino acid change. (SP) 0600 - Variant is located in the annotated pore domain (UniProt). (I) 0702 - Other missense variants comparable to the one identified in this case have strong previous evidence for pathogenicity. The p.(Gly314Asp) variant has been identified in three LQTS patients (PMIDs:15840476,19841300). The p.(Gly314Cys) and p.(Gly314Arg) variants have both been identified in one LQTS patient each (PMIDs: 19716085, 15840476). (SP) 0801 - This variant has strong previous evidence of pathogenicity in unrelated individuals. This variant has been reported in at least 15 LQTS patients (PMIDs: 19716085, 22659597, 22727609, 15840476, ClinVar, VCGS). (SP) 1002 - Moderate functional evidence supporting abnormal protein function. Patch clamp analysis indicates that this variant reduces channel current in a dominant negative manner (PMID: 19348785). However, patch clamp assays have been shown to be unreliable, therefore results from these studies are used with caution during variant classification. (I) 1208 - Inheritance information for this variant is not currently available in this individual. (I) Legend: (SP) - Supporting pathogenic, (I) - Information, (SB) - Supporting benign

Center for Advanced Laboratory Medicine, UC San Diego Health, University of California San Diego
Classification: Pathogenic for Long QT Syndrome. Last evaluated: 2018-05-26. Review status: criteria provided, single submitter. Criteria: ACMG Guidelines, 2015. Collection method: clinical testing. Allele origin: germline. Affected: yes. Observed: 1 variant allele.

MVZ Martinsried, Medicover Genetics
Classification: Pathogenic for Long QT syndrome 1. Last evaluated: 2017-11-20. Review status: criteria provided, single submitter. Criteria: ACMG Guidelines, 2015. Collection method: clinical testing. Allele origin: unknown. Affected: yes.

OMIM
Classification: Pathogenic for LONG QT SYNDROME 1. Last evaluated: 1996-09-01. Review status: no assertion criteria provided. Collection method: literature only. Allele origin: germline. Not counted in ClinVar's aggregate classification.

Cardiovascular Biomedical Research Unit, Royal Brompton & Harefield NHS Foundation Trust
No classification provided. Condition: Familial long QT syndrome. Review status: no classification provided. Collection method: literature only. Allele origin: germline. Not counted in ClinVar's aggregate classification.
Comment: This variant has been reported as associated with Long QT syndrome in the following publications (PMID:8872472;PMID:9386136;PMID:9693036;PMID:9799083;PMID:10220144;PMID:12566525;PMID:15028050;PMID:15051636;PMID:15840476;PMID:16038262;PMID:16922724;PMID:19348785;PMID:19716085;PMID:19841300;PMID:15234419;PMID:17470695). This is a literature report, and does not necessarily reflect the clinical interpretation of the Imperial College / Royal Brompton Cardiovascular Genetics laboratory.

Literature cited by the submitters: PubMed 8872472 (cited by 5 submitters); PubMed 9799083 (cited by 4 submitters); PubMed 16922724 (cited by 4 submitters); PubMed 22727609 (cited by 3 submitters); PubMed 22949429 (cited by Labcorp Genetics (formerly Invitae), Labcorp and Johns Hopkins Genomics, Johns Hopkins University); PubMed 9312006 (cited by 3 submitters); PubMed 15051636 (cited by 4 submitters); PubMed 19348785 (cited by 4 submitters); PubMed 15028050 (cited by Ambry Genetics and Cardiovascular Biomedical Research Unit, Royal Brompton & Harefield NHS Foundation Trust); PubMed 19841300 (cited by 3 submitters); PubMed 21350584 (cited by Ambry Genetics); PubMed 9386136 (cited by Ambry Genetics and Cardiovascular Biomedical Research Unit, Royal Brompton & Harefield NHS Foundation Trust); PubMed 15840476 (cited by 3 submitters); PubMed 24573873 (cited by Johns Hopkins Genomics, Johns Hopkins University); PubMed 30036649 (cited by Johns Hopkins Genomics, Johns Hopkins University); PubMed 34860437 (cited by Johns Hopkins Genomics, Johns Hopkins University); PubMed 19632626 (cited by Victorian Clinical Genetics Services, Murdoch Childrens Research Institute); PubMed 19716085 (cited by Victorian Clinical Genetics Services, Murdoch Childrens Research Institute and Cardiovascular Biomedical Research Unit, Royal Brompton & Harefield NHS Foundation Trust); PubMed 22659597 (cited by Victorian Clinical Genetics Services, Murdoch Childrens Research Institute); PubMed 28438721 (cited by Victorian Clinical Genetics Services, Murdoch Childrens Research Institute); PubMed 9693036 (cited by Cardiovascular Biomedical Research Unit, Royal Brompton & Harefield NHS Foundation Trust); PubMed 10220144 (cited by Cardiovascular Biomedical Research Unit, Royal Brompton & Harefield NHS Foundation Trust); PubMed 12566525 (cited by Cardiovascular Biomedical Research Unit, Royal Brompton & Harefield NHS Foundation Trust); PubMed 16038262 (cited by Cardiovascular Biomedical Research Unit, Royal Brompton & Harefield NHS Foundation Trust); PubMed 15234419 (cited by Cardiovascular Biomedical Research Unit, Royal Brompton & Harefield NHS Foundation Trust); PubMed 17470695 (cited by Cardiovascular Biomedical Research Unit, Royal Brompton & Harefield NHS Foundation Trust); PubMed 22581653 (cited by Cardiovascular Biomedical Research Unit, Royal Brompton & Harefield NHS Foundation Trust).